The following is an entry in ClinVar:

ClinVar aggregate classification (germline): Uncertain significance. Review status: criteria provided, single submitter (1 of 4 stars). 2 submissions from 2 submitters: Uncertain significance (1). 1 of the submissions does not count toward it. Last evaluated 2022-05-06.

Conditions:
Polycystic kidney disease, adult type (PKD1). Also called: POLYCYSTIC KIDNEY DISEASE, ADULT, TYPE I; Polycystic Kidney Disease 1, Autosomal Dominant; Polycystic kidney disease 1; Polycystic kidney disease 1, severe; Polycystic Kidney, Autosomal Dominant; POLYCYSTIC KIDNEY DISEASE 1 WITH OR WITHOUT POLYCYSTIC LIVER DISEASE. Identifiers: MedGen C3149841, MONDO:0008263, OMIM 173900.
Polycystic kidney disease. Also called: Polycystic kidney dysplasia; Kidney, Polycystic. Identifiers: MedGen C0022680, MeSH D007690, MONDO:0020642, HP:0000113.

Allele frequency attached by ClinVar (database versions not stated): gnomAD exomes 0.00001 and 0.00003; ExAC 0.00003; ESP Exome Variant Server 0.00039; gnomAD 0.00004; TOPMed 0.00004.
gnomAD v4.1: 14 of 1,611,602 alleles (0.00087%); highest among the groups gnomAD compares: African/African-American, 0.016%; no homozygotes.

Submissions (2):

Fulgent Genetics
Classification: Uncertain significance for Polycystic kidney disease, adult type. Last evaluated: 2022-05-06. Review status: criteria provided, single submitter. Criteria: ACMG Guidelines, 2015. Collection method: clinical testing. Allele origin: unknown.

Department of Pathology and Laboratory Medicine, Sinai Health System
Classification: Uncertain significance for Polycystic Kidney disease. Review status: no assertion criteria provided. Collection method: clinical testing. Allele origin: unknown. Affected: yes. Study: The Canadian Open Genetics Repository (COGR). Not counted in ClinVar's aggregate classification.
Comment: The PKD1 p.Val1544= variant was not identified in the literature nor was it identified in the ClinVar, LOVD 3.0, ADPKD Mutation Database or the PKD1-LOVD databases. The variant was identified in dbSNP (ID: rs142035983) as "NAâ€šÃ„Ã¹. It was also identified in control databases in 9 of 275030 chromosomes at a frequency of 0.00003 (Genome Aggregation Database Feb 27, 2017). The variant was observed in the African population in 9 of 23758 chromosomes (freq: 0.0004), while it was not observed in the Other, Latino, European, Ashkenazi Jewish, East Asian, Finnish or South Asian populations. In addition, we cannot be certain that data from control databases is specific to PKD1 and not from one of the six PKD1 pseudogenes. The p.Val1544= variant is not expected to have clinical significance because it does not result in a change of amino acid and is not located in a known consensus splice site. However, 3 of 4 in silico or computational prediction software programs (SpliceSiteFinder, MaxEntScan, NNSPLICE, GeneSplicer) predict a greater than 10% difference in splicing; this information is not predictive enough to assume pathogenicity. This variant was identified by our laboratory as co-occurring with a pathogenic PKD1 variant (c.3356dup, p.Val1120Cysfs*16), increasing the likelihood that the p.Val1544= variant does not have clinical significance. In summary, based on the above information, the clinical significance of this variant cannot be determined with certainty at this time. This variant is classified as a variant of uncertain significance.

NM_001009944.3(PKD1):c.4632G>A (p.Val1544=)

Gene: PKD1 (polycystin 1, transient receptor potential channel interacting; minus strand). Cytogenetic location: 16p13.3.
Variant type: single nucleotide variant.
Coding change: c.4632G>A on transcript NM_001009944.3 (MANE Select); coding-DNA position 4632, G replaced by A.
Protein change: p.Val1544=; no amino-acid change (valine 1544 retained).
Molecular consequence: synonymous variant.
Genome position (GRCh38, 1-based): chr16:2,110,535, C>T on the plus strand (G>A on the coding strand, the complement: PKD1 is on the minus strand). VCF-style: chr16-2110535-C-T. GRCh37 (hg19) VCF-style: chr16-2160536-C-T.
Other names: c.4632G>A, p.Val1544= (NM_000296.4).
Identifiers: ClinVar variation 997198 (VCV000997198.2), dbSNP rs142035983, ClinGen allele CA7832312.